The following is an entry in ClinVar:

ClinVar aggregate classification (germline): Uncertain significance. Review status: criteria provided, multiple submitters, no conflicts (2 of 4 stars). 2 submissions from 2 submitters: Uncertain significance (2). Last evaluated 2024-10-27.

Conditions:
Hereditary cancer-predisposing syndrome. Also called: Neoplastic Syndromes, Hereditary; Tumor predisposition; Hereditary neoplastic syndrome; Hereditary Cancer Syndrome. Identifiers: Orphanet 140162, MedGen C0027672, MeSH D009386, MONDO:0015356.
Hereditary nonpolyposis colorectal neoplasms. Identifiers: MedGen C0009405, MeSH D003123.

Submissions (2):

Labcorp Genetics (formerly Invitae), Labcorp
Classification: Uncertain significance for Hereditary nonpolyposis colorectal neoplasms. Last evaluated: 2024-10-27. Review status: criteria provided, single submitter. Criteria: Invitae Variant Classification Sherloc (09022015). Collection method: clinical testing. Allele origin: germline.
Comment: This variant, c.3259_3261del, results in the deletion of 1 amino acid(s) of the MSH6 protein (p.Pro1087del), but otherwise preserves the integrity of the reading frame. This variant is not present in population databases (gnomAD no frequency). This variant has not been reported in the literature in individuals affected with MSH6-related conditions. ClinVar contains an entry for this variant (Variation ID: 2453176). Experimental studies and prediction algorithms are not available or were not evaluated, and the functional significance of this variant is currently unknown. In summary, the available evidence is currently insufficient to determine the role of this variant in disease. Therefore, it has been classified as a Variant of Uncertain Significance.

Ambry Genetics
Classification: Uncertain significance for Hereditary cancer-predisposing syndrome. Last evaluated: 2022-12-23. Review status: criteria provided, single submitter. Criteria: Ambry Variant Classification Scheme 2023. Collection method: clinical testing. Allele origin: germline.
Comment: The c.3259_3261delCCC variant (also known as p.P1087del), located in coding exon 5 of the MSH6 gene, results from an in-frame CCC deletion at nucleotide positions 3259 to 3261. This results in the in-frame deletion of a proline at codon 1087. This amino acid position is not well conserved in available vertebrate species. In addition, this alteration is predicted to be neutral by in silico analysis (Choi Y et al. PLoS ONE. 2012; 7(10):e46688). Since supporting evidence is limited at this time, the clinical significance of this alteration remains unclear.

NM_000179.3(MSH6):c.3259_3261del (p.Pro1087del)

Gene: MSH6 (mutS homolog 6; plus strand). Cytogenetic location: 2p16.3.
Variant type: Deletion.
Coding change: c.3259_3261del on transcript NM_000179.3 (MANE Select); coding-DNA positions 3259 to 3261, 3 bases deleted (CCC; older notation c.3259_3261delCCC).
Protein change: p.Pro1087del; deletes proline 1087.
Molecular consequence: inframe deletion. On other transcripts: non-coding transcript variant (5), intron variant (1).
Genome position (GRCh38, 1-based): chr2:47,803,506-47,803,508, CCC deleted; deleting any 3 consecutive bases within chr2:47,803,501-47,803,508 gives the same sequence; the c. name uses the placement nearest the transcript's 3' end. VCF-style (leftmost placement, unchanged base first): chr2-47803500-ACCC-A. GRCh37 (hg19) VCF-style: chr2-48030639-ACCC-A.
Other names: c.2869_2871del, p.Pro957del (NM_001281492.2); c.2353_2355del, p.Pro785del (NM_001281493.2, NM_001281494.2, NM_001406811.1 and 6 more transcripts); c.3355_3357del, p.Pro1119del (NM_001406795.1, NM_001406802.1); c.3259_3261del, p.Pro1087del (NM_001406796.1, NM_001406800.1, NM_001406808.1 and 1 more transcripts); c.2962_2964del, p.Pro988del (NM_001406797.1, NM_001406801.1, NM_001406805.1 and 10 more transcripts); c.2734_2736del, p.Pro912del (NM_001406799.1, NM_001406806.1, NM_001406807.1); c.2395_2397del, p.Pro799del (NM_001406803.1); c.3181_3183del, p.Pro1061del (NM_001406804.1); and 7 more; short protein forms P1031del, P1087del, P1089del, P565del, P785del, P14del, P1061del, P36del.
Identifiers: ClinVar variation 2453176 (VCV002453176.5), dbSNP rs267608078, ClinGen allele CA2580067004.